The following is an entry in ClinVar:

ClinVar aggregate classification (germline): Conflicting classifications of pathogenicity. Review status: criteria provided, conflicting classifications (1 of 4 stars). 11 submissions from 11 submitters: Uncertain significance (1); Benign (1); Likely benign (6). 3 of the submissions do not count toward it. Last evaluated 2026-02-12.

Conditions:
Hereditary cancer-predisposing syndrome. Also called: Neoplastic Syndromes, Hereditary; Hereditary Cancer Syndrome; Tumor predisposition; Hereditary neoplastic syndrome. Identifiers: Orphanet 140162, MedGen C0027672, MeSH D009386, MONDO:0015356.
Microcephaly, normal intelligence and immunodeficiency (NBS). Also called: Nijmegen breakage syndrome; Microcephaly with normal intelligence immunodeficiency and lymphoreticular malignancies; Nonsyndromal microcephaly autosomal recessive with normal intelligence; Seemanova syndrome 2; BERLIN BREAKAGE SYNDROME; SEEMANOVA SYNDROME II. Identifiers: Orphanet 647, MedGen C0398791, MONDO:0009623, OMIM 251260.
Malignant tumor of breast. Also called: Malignant breast neoplasm; Cancer breast. Identifiers: MedGen C0006142, MONDO:0007254. Disease mechanism: loss of function.

Allele frequency attached by ClinVar (database versions not stated): TOPMed 0.00007; gnomAD exomes 0.00010; gnomAD 0.00011; ExAC 0.00013; ESP Exome Variant Server 0.00023.
gnomAD v4.1: 117 of 1,612,208 alleles (0.0073%); highest among the groups gnomAD compares: Middle Eastern, 0.099%; no homozygotes.

Submissions (11):

Women's Health and Genetics/Laboratory Corporation of America, LabCorp
Classification: Likely benign. Last evaluated: 2026-02-12. Review status: criteria provided, single submitter. Criteria: LabCorp Variant Classification Summary - May 2015. Collection method: clinical testing. Allele origin: germline.
Comment: Variant summary: NBN c.37+10G>C alters a nucleotide located at a position not widely known to affect splicing. Consensus agreement among computation tools predict no significant impact on normal splicing. However, these predictions have yet to be confirmed by functional studies. The variant allele was found at a frequency of 9.8e-05 in 245690 control chromosomes, predominantly at a frequency of 6.4e-05 within the Non-Finnish European subpopulation in the gnomAD database. This frequency is not significantly higher than estimated for disease-causing variants in NBN, allowing no conclusion about variant significance. To our knowledge, no occurrence of c.37+10G>C in individuals affected with NBN-related conditions and no experimental evidence demonstrating its impact on protein function have been reported. ClinVar contains an entry for this variant (Variation ID: 215822). Based on the evidence outlined above, the variant was classified as likely benign.

Labcorp Genetics (formerly Invitae), Labcorp
Classification: Likely benign for Microcephaly, normal intelligence and immunodeficiency. Last evaluated: 2026-01-26. Review status: criteria provided, single submitter. Criteria: Invitae Variant Classification Sherloc (09022015). Collection method: clinical testing. Allele origin: germline.

Blueprint Genetics
Classification: Likely benign. Last evaluated: 2024-08-14. Review status: criteria provided, single submitter. Criteria: ACMG Guidelines, 2015. Collection method: clinical testing. Allele origin: germline.

Quest Diagnostics Nichols Institute San Juan Capistrano
Classification: Likely benign. Last evaluated: 2023-09-08. Review status: criteria provided, single submitter. Criteria: Quest Diagnostics criteria. Collection method: clinical testing. Allele origin: unknown.

Institute for Biomarker Research, Medical Diagnostic Laboratories, L.L.C.
Classification: Likely benign for Hereditary cancer-predisposing syndrome. Last evaluated: 2023-02-22. Review status: criteria provided, single submitter. Criteria: ACMG Guidelines, 2015. Collection method: clinical testing. Allele origin: germline.

Genome-Nilou Lab
Classification: Likely benign for Microcephaly, normal intelligence and immunodeficiency. Last evaluated: 2021-11-07. Review status: criteria provided, single submitter. Criteria: ACMG Guidelines, 2015. Collection method: clinical testing. Allele origin: germline. Affected: no.

Illumina Laboratory Services, Illumina
Classification: Uncertain significance for Microcephaly, normal intelligence and immunodeficiency. Last evaluated: 2018-01-12. Review status: criteria provided, single submitter. Criteria: ICSL Variant Classification Criteria 13 December 2019. Collection method: clinical testing. Allele origin: germline.

GeneDx
Classification: Benign. Last evaluated: 2015-07-16. Review status: criteria provided, single submitter. Criteria: GeneDx Variant Classification (06012015). Collection method: clinical testing. Allele origin: germline. Affected: yes.
Comment: This variant is considered likely benign or benign based on one or more of the following criteria: it is a conservative change, it occurs at a poorly conserved position in the protein, it is predicted to be benign by multiple in silico algorithms, and/or has population frequency not consistent with disease.

Natera, Inc.
Classification: Uncertain significance for Nijmegen breakage syndrome. Last evaluated: 2020-01-24. Review status: no assertion criteria provided. Collection method: clinical testing. Allele origin: germline. Not counted in ClinVar's aggregate classification.

Counsyl
Classification: Likely benign for Microcephaly, normal intelligence and immunodeficiency. Last evaluated: 2017-01-05. Review status: no assertion criteria provided. Collection method: clinical testing. Allele origin: unknown. Not counted in ClinVar's aggregate classification.

Department of Pathology and Laboratory Medicine, Sinai Health System
Classification: Likely benign for Malignant tumor of breast. Review status: no assertion criteria provided. Collection method: clinical testing. Allele origin: unknown. Affected: yes. Study: The Canadian Open Genetics Repository (COGR). Not counted in ClinVar's aggregate classification.
Comment: The NBN c.37+10G>C variant was not identified in the literature nor was it identified in Cosmic, LOVD 3.0, Zhejiang Colon Cancer Database. The variant was identified in dbSNP (ID: rs369408590) as â€šÃ„ÃºWith other alleleâ€šÃ„Ã¹, ClinVar (as uncertain significance by Illumina, likely benign by Invitae, and benign by GeneDx), and Clinvitae (3x) databases. The variant was identified in control databases in 26 of 272116 chromosomes at a frequency of 0.000096 increasing the likelihood this could be a low frequency benign variant (Genome Aggregation Database Feb 27, 2017). Breakdown of the observations by population include African in 1 of 23486 chromosomes (freq: 0.000043), European (Non-Finnish) in 9 of 122980 chromosomes (freq: 0.000073), and Ashkenazi Jewish in 16 of 10068 chromosomes (freq: 0.001589), while the variant was not observed in the Other, Latino, East Asian, European Finnish, and South Asian populations. The variant occurs outside of the splicing consensus sequence and in silico or computational prediction software programs (SpliceSiteFinder, MaxEntScan, NNSPLICE, GeneSplicer, HumanSpliceFinder) do not predict a difference in splicing. In summary, based on the above information the clinical significance of this variant cannot be determined with certainty at this time although we would lean towards a more benign role for this variant. This variant is classified as likely benign.

Literature cited by the submitters: PubMed 32658311 (cited by Quest Diagnostics Nichols Institute San Juan Capistrano).

NM_002485.5(NBN):c.37+10G>C

Gene: NBN (nibrin; minus strand). Cytogenetic location: 8q21.3.
Variant type: single nucleotide variant.
Coding change: c.37+10G>C on transcript NM_002485.5 (MANE Select); 10 bases into the intron after coding-DNA position 37, G replaced by C.
Molecular consequence: intron variant.
Genome position (GRCh38, 1-based): chr8:89,984,515, C>G on the plus strand (G>C on the coding strand, the complement: NBN is on the minus strand). VCF-style: chr8-89984515-C-G. GRCh37 (hg19) VCF-style: chr8-90996743-C-G.
Other names: c.-260+10G>C (NM_001024688.3).
Identifiers: ClinVar variation 215822 (VCV000215822.33), dbSNP rs369408590, ClinGen allele CA337883.